The following is an entry in ClinVar:

NM_001128205.2(SULF1):c.1045G>A (p.Val349Ile)

Gene: SULF1 (sulfatase 1; plus strand). Cytogenetic location: 8q13.3.
Variant type: single nucleotide variant.
Coding change: c.1045G>A on transcript NM_001128205.2 (MANE Select); coding-DNA position 1045, G replaced by A.
Protein change: p.Val349Ile; replaces valine 349 with isoleucine.
Molecular consequence: missense variant. On other transcripts: 5 prime UTR variant (1), non-coding transcript variant (7).
Genome position (GRCh38, 1-based): chr8:69,601,813, G>A. VCF-style: chr8-69601813-G-A. GRCh37 (hg19) VCF-style: chr8-70514048-G-A.
Other names: c.1045G>A, p.Val349Ile (NM_001128206.2, NM_001412828.1, NM_001412829.1 and 18 more transcripts); c.859G>A, p.Val287Ile (NM_001412841.1, NM_001412842.1); c.445G>A, p.Val149Ile (NM_001412844.1, NM_001412845.1); c.-731G>A (NM_001412846.1); short protein forms V149I, V287I, V349I.
Identifiers: ClinVar variation 3686737 (VCV003686737.2).

ClinVar aggregate classification (germline): Uncertain significance (1 of 4 stars; one submission).

gnomAD v4.1: 2 of 1,610,804 alleles (0.00012%); highest among the groups gnomAD compares: South Asian, 0.0022%; no homozygotes.

Submission:

Labcorp Genetics (formerly Invitae), Labcorp
Classification: Uncertain significance. Last evaluated: 2025-02-03. Review status: criteria provided, single submitter. Criteria: Invitae Variant Classification Sherloc (09022015). Collection method: clinical testing. Allele origin: germline.
Comment: This sequence change replaces valine, which is neutral and non-polar, with isoleucine, which is neutral and non-polar, at codon 349 of the SULF1 protein (p.Val349Ile). This variant is not present in population databases (gnomAD no frequency). This variant has not been reported in the literature in individuals affected with SULF1-related conditions. An algorithm developed to predict the effect of missense changes on protein structure and function outputs the following: PolyPhen-2: "Benign". The isoleucine amino acid residue is found in multiple mammalian species, which suggests that this missense change does not adversely affect protein function. In summary, the available evidence is currently insufficient to determine the role of this variant in disease. Therefore, it has been classified as a Variant of Uncertain Significance.